The following is an entry in ClinVar:

ClinVar aggregate classification (germline): Uncertain significance (1 of 4 stars; one submission).

Conditions:
Ataxia-telangiectasia syndrome (AT). Also called: Ataxia telangiectasia (A-T); ATAXIA-TELANGIECTASIA, COMPLEMENTATION GROUP A; ATAXIA-TELANGIECTASIA, FRESNO VARIANT; Ataxia-telangiectasia; Ataxia-telangiectasia, complementation group E; LOUIS-BAR SYNDROME. Identifiers: Orphanet 100, MedGen C0004135, MONDO:0008840, OMIM 208900.

Submission:

Labcorp Genetics (formerly Invitae), Labcorp
Classification: Uncertain significance for Ataxia-telangiectasia syndrome. Last evaluated: 2025-05-05. Review status: criteria provided, single submitter. Criteria: Invitae Variant Classification Sherloc (09022015). Collection method: clinical testing. Allele origin: germline.
Comment: This sequence change replaces arginine, which is basic and polar, with lysine, which is basic and polar, at codon 2244 of the ATM protein (p.Arg2244Lys). This variant is not present in population databases (gnomAD no frequency). This variant has not been reported in the literature in individuals affected with ATM-related conditions. ClinVar contains an entry for this variant (Variation ID: 1056426). Invitae Evidence Modeling of protein sequence and biophysical properties (such as structural, functional, and spatial information, amino acid conservation, physicochemical variation, residue mobility, and thermodynamic stability) indicates that this missense variant is not expected to disrupt ATM protein function with a negative predictive value of 95%. In summary, the available evidence is currently insufficient to determine the role of this variant in disease. Therefore, it has been classified as a Variant of Uncertain Significance.

NM_000051.4(ATM):c.6731G>A (p.Arg2244Lys)

Genes: ATM (ATM serine/threonine kinase; plus strand), C11orf65 (chromosome 11 open reading frame 65; minus strand). Cytogenetic location: 11q22.3.
Variant type: single nucleotide variant.
Coding change: c.6731G>A on transcript NM_000051.4 (MANE Select); coding-DNA position 6731, G replaced by A.
Protein change: p.Arg2244Lys; replaces arginine 2244 with lysine.
Molecular consequence: missense variant. On other transcripts: intron variant (2).
Genome position (GRCh38, 1-based): chr11:108,325,468, G>A. VCF-style: chr11-108325468-G-A. GRCh37 (hg19) VCF-style: chr11-108196195-G-A.
Other names: c.6731G>A, p.Arg2244Lys (NM_001351834.2); c.641-16397C>T (NM_001330368.2); c.*38+9752C>T (NM_001351110.2); short protein forms R2244K.
Identifiers: ClinVar variation 1056426 (VCV001056426.9), dbSNP rs2136315016, ClinGen allele CA382555134.
Genomic context (GRCh38, chr11:108,325,468, plus strand): 5'-TGGCTCTACGCACAGTCATTTTGGAGATCCTGATGGAAAAGGAAATGGACAACTCACAAA[G>A]AGAATGTATTAAGGACATTCTCACCAAACACCTTGTAGAACTCTCTATACTGGCCAGAAC-3'
Protein context (NP_000042.3, residues 2234-2254): LMEKEMDNSQ[Arg2244Lys]ECIKDILTKH